The following is an entry in ClinVar:

NM_006904.7(PRKDC):c.8644G>A (p.Ala2882Thr)

Genes: PRKDC (protein kinase, DNA-activated, catalytic subunit; minus strand), LOC121740717 (Sharpr-MPRA regulatory region 7649; plus strand). Cytogenetic location: 8q11.21.
Variant type: single nucleotide variant.
Coding change: c.8644G>A on transcript NM_006904.7 (MANE Select); coding-DNA position 8644, G replaced by A.
Protein change: p.Ala2882Thr; replaces alanine 2882 with threonine.
Molecular consequence: missense variant.
Genome position (GRCh38, 1-based): chr8:47,826,795, C>T on the plus strand (G>A on the coding strand, the complement: PRKDC is on the minus strand). VCF-style: chr8-47826795-C-T. GRCh37 (hg19) VCF-style: chr8-48739356-C-T.
Other names: c.8644G>A, p.Ala2882Thr (NM_001081640.2); short protein forms A2882T.
Identifiers: ClinVar variation 1353242 (VCV001353242.6), dbSNP rs2154499225, ClinGen allele CA371143994.

ClinVar aggregate classification (germline): Uncertain significance (1 of 4 stars; one submission).

Conditions:
Severe combined immunodeficiency due to DNA-PKcs deficiency. Also called: Immunodeficiency 26 with or without neurologic abnormalities; IMMUNODEFICIENCY 26 WITH NEUROLOGIC ABNORMALITIES. Identifiers: Orphanet 317425, MedGen C4014833, MONDO:0014423, OMIM 615966.

gnomAD v4.1: 3 of 1,608,640 alleles (0.00019%); highest among the groups gnomAD compares: Non-Finnish European, 0.00025%; no homozygotes.

Submission:

Labcorp Genetics (formerly Invitae), Labcorp
Classification: Uncertain significance for Severe combined immunodeficiency due to DNA-PKcs deficiency. Last evaluated: 2022-08-09. Review status: criteria provided, single submitter. Criteria: Invitae Variant Classification Sherloc (09022015). Collection method: clinical testing. Allele origin: germline.
Comment: This sequence change replaces alanine, which is neutral and non-polar, with threonine, which is neutral and polar, at codon 2882 of the PRKDC protein (p.Ala2882Thr). This variant is not present in population databases (gnomAD no frequency). This variant has not been reported in the literature in individuals affected with PRKDC-related conditions. ClinVar contains an entry for this variant (Variation ID: 1353242). Experimental studies and prediction algorithms are not available or were not evaluated, and the functional significance of this variant is currently unknown. In summary, the available evidence is currently insufficient to determine the role of this variant in disease. Therefore, it has been classified as a Variant of Uncertain Significance.